The following is an entry in ClinVar:

NM_133636.5(HELQ):c.1753C>T (p.Pro585Ser)

Gene: HELQ (helicase, POLQ like; minus strand). Cytogenetic location: 4q21.23.
Variant type: single nucleotide variant.
Coding change: c.1753C>T on transcript NM_133636.5 (MANE Select); coding-DNA position 1753, C replaced by T.
Protein change: p.Pro585Ser; replaces proline 585 with serine.
Molecular consequence: missense variant.
Genome position (GRCh38, 1-based): chr4:83,439,918, G>A on the plus strand (C>T on the coding strand, the complement: HELQ is on the minus strand). VCF-style: chr4-83439918-G-A. GRCh37 (hg19) VCF-style: chr4-84361071-G-A.
Other names: c.1552C>T, p.Pro518Ser (NM_001297755.2); c.262C>T, p.Pro88Ser (NM_001297756.2); c.121C>T, p.Pro41Ser (NM_001297757.2); short protein forms P41S, P518S, P585S, P88S.
Identifiers: ClinVar variation 3055759 (VCV003055759.2), dbSNP rs6817280, ClinGen allele CA2989666.
Genomic context (GRCh38, chr4:83,439,918, plus strand): 5'-CATACTTGCTTAAAAATTTGCATATCATTTCTGCTACATTTTCACAGTTCTTCTTACTAG[G>A]ACAAAAAACTAAGCAGGAATAATTGGGAATAACTTCTGTCACCAATGCTACCAAGTGATC-3'
Protein context (NP_598375.3, residues 575-595): IPNYSCLVFC[Pro585Ser]SKKNCENVAE

ClinVar aggregate classification (germline): Benign (0 of 4 stars; one submission).

Conditions:
HELQ-related disorder. Also called: HELQ-related condition.

Allele frequency attached by ClinVar (database versions not stated): 1000 Genomes Project 0.08427; TOPMed 0.08627; ESP Exome Variant Server 0.08774; 1000 Genomes Project 30x 0.09260.
gnomAD v4.1: 22,790 of 1,606,006 alleles (1.4%); highest among the groups gnomAD compares: African/African-American, 27%; 2,723 homozygotes.

Submission:

PreventionGenetics, part of Exact Sciences
Classification: Benign for HELQ-related condition. Last evaluated: 2019-11-14. Review status: no assertion criteria provided. Collection method: clinical testing. Allele origin: germline.
Comment: This variant is classified as benign based on ACMG/AMP sequence variant interpretation guidelines (Richards et al. 2015 PMID: 25741868, with internal and published modifications).